The following is an entry in ClinVar:

NM_007294.4(BRCA1):c.603T>C (p.Asp201=)

Gene: BRCA1 (BRCA1 DNA repair associated; minus strand). Cytogenetic location: 17q21.31.
Variant type: single nucleotide variant.
Coding change: c.603T>C on transcript NM_007294.4 (MANE Select); coding-DNA position 603, T replaced by C.
Protein change: p.Asp201=; no amino-acid change (aspartic acid 201 retained).
Molecular consequence: synonymous variant. On other transcripts: intron variant (115).
Genome position (GRCh38, 1-based): chr17:43,095,913, A>G on the plus strand (T>C on the coding strand, the complement: BRCA1 is on the minus strand). VCF-style: chr17-43095913-A-G. GRCh37 (hg19) VCF-style: chr17-41247930-A-G.
Other names: c.390T>C, p.Asp130= (NM_001407571.1, NM_001407853.1, NM_001407894.1 and 12 more transcripts); c.603T>C, p.Asp201= (NM_001407581.1, NM_001407582.1, NM_001407583.1 and 59 more transcripts); c.600T>C, p.Asp200= (NM_001407587.1, NM_001407590.1, NM_001407591.1 and 41 more transcripts); c.594T>C, p.Asp198= (NM_001407646.1, NM_001407647.1, NM_001408408.1); c.525T>C, p.Asp175= (NM_001407653.1, NM_001407654.1, NM_001407655.1 and 9 more transcripts); c.522T>C, p.Asp174= (NM_001407659.1, NM_001407660.1, NM_001407661.1 and 3 more transcripts); c.462T>C, p.Asp154= (NM_001407692.1, NM_001407694.1, NM_001407695.1 and 43 more transcripts); c.459T>C, p.Asp153= (NM_001407740.1, NM_001407741.1, NM_001407742.1 and 26 more transcripts); and 17 more.
Identifiers: ClinVar variation 184511 (VCV000184511.15), dbSNP rs786201512, ClinGen allele CA003758.

ClinVar aggregate classification (germline): Likely benign. Review status: reviewed by expert panel (3 of 4 stars). 4 submissions from 4 submitters: Likely benign (1). 3 of the submissions do not count toward it. Last evaluated 2017-06-29.

Conditions:
Hereditary cancer-predisposing syndrome. Also called: Neoplastic Syndromes, Hereditary; Hereditary Cancer Syndrome; Tumor predisposition; Hereditary neoplastic syndrome. Identifiers: Orphanet 140162, MedGen C0027672, MeSH D009386, MONDO:0015356.
Hereditary breast ovarian cancer syndrome. Also called: Hereditary breast and/or ovarian cancer syndrome; Hereditary breast and ovarian cancer syndrome (HBOC); Hereditary breast and ovarian cancer; Hereditary breast and ovarian cancer syndrome; Breast and ovarian cancer; BRCA1- and BRCA2-Associated Hereditary Breast and Ovarian Cancer. Identifiers: Orphanet 145, MedGen C0677776, MeSH D061325, MONDO:0003582. Disease mechanism: loss of function.
Breast-ovarian cancer, familial, susceptibility to, 1 (BROVCA1). Also called: BRCA1 Hereditary Breast and Ovarian Cancer; OVARIAN CANCER, SUSCEPTIBILITY TO. Identifiers: Orphanet 145, MedGen C2676676, MONDO:0011450, OMIM 604370. Disease mechanism: loss of function.

Submissions (4):

Evidence-based Network for the Interpretation of Germline Mutant Alleles (ENIGMA)
Classification: Likely benign for Breast-ovarian cancer, familial, susceptibility to, 1. Last evaluated: 2017-06-29. Review status: reviewed by expert panel. Criteria: ENIGMA BRCA1/2 Classification Criteria (2017-06-29). Collection method: curation. Allele origin: germline.
Comment: Synonymous substitution variant, with low bioinformatic likelihood to result in a splicing aberration (Splicing prior probability 0.02).

Ambry Genetics
Classification: Likely benign for Hereditary cancer-predisposing syndrome. Last evaluated: 2026-07-06. Review status: criteria provided, single submitter. Criteria: Ambry Variant Classification Scheme 2023. Collection method: clinical testing. Allele origin: germline. Not counted in ClinVar's aggregate classification.

Labcorp Genetics (formerly Invitae), Labcorp
Classification: Likely benign for Hereditary breast ovarian cancer syndrome. Last evaluated: 2021-11-30. Review status: criteria provided, single submitter. Criteria: Invitae Variant Classification Sherloc (09022015). Collection method: clinical testing. Allele origin: germline. Not counted in ClinVar's aggregate classification.

GeneDx
Classification: Likely benign. Last evaluated: 2016-10-18. Review status: criteria provided, single submitter. Criteria: GeneDx Variant Classification (06012015). Collection method: clinical testing. Allele origin: germline. Affected: yes. Not counted in ClinVar's aggregate classification.
Comment: This variant is considered likely benign or benign based on one or more of the following criteria: it is a conservative change, it occurs at a poorly conserved position in the protein, it is predicted to be benign by multiple in silico algorithms, and/or has population frequency not consistent with disease.